The following is an entry in ClinVar:

NM_080916.3(DGUOK):c.278G>A (p.Gly93Glu)

Gene: DGUOK (deoxyguanosine kinase; plus strand). Cytogenetic location: 2p13.1.
Variant type: single nucleotide variant.
Coding change: c.278G>A on transcript NM_080916.3 (MANE Select); coding-DNA position 278, G replaced by A.
Protein change: p.Gly93Glu; replaces glycine 93 with glutamic acid.
Molecular consequence: missense variant. On other transcripts: 5 prime UTR variant (4), non-coding transcript variant (5).
Genome position (GRCh38, 1-based): chr2:73,946,741, G>A. VCF-style: chr2-73946741-G-A. GRCh37 (hg19) VCF-style: chr2-74173868-G-A.
Other names: c.278G>A, p.Gly93Glu (NM_001318859.2, NM_080918.3); c.-14G>A (NM_001318860.2, NM_001318861.2, NM_001318862.2 and 1 more transcripts); short protein forms G93E.
Identifiers: ClinVar variation 523553 (VCV000523553.4), dbSNP rs1553403624, ClinGen allele CA347298810.

ClinVar aggregate classification (germline): Uncertain significance. Review status: criteria provided, single submitter (1 of 4 stars). 2 submissions from 1 submitter: Uncertain significance (2). Last evaluated 2017-01-01.

Conditions:
Mitochondrial DNA depletion syndrome 3 (hepatocerebral type). Also called: Deoxyguanosine Kinase Deficiency; MITOCHONDRIAL DNA DEPLETION SYNDROME 3; Mitochondrial DNA depletion syndrome, hepatocerebral form due to DGUOK deficiency. Identifiers: Orphanet 279934, MedGen CN074093, MONDO:0009636, OMIM 251880.
Increased circulating pyruvate concentration. Also called: Increased serum pyruvate. Identifiers: MedGen C1849488, HP:0003542.
Cognitive impairment. Also called: cognitive deficit. Identifiers: MedGen C0338656, HP:0100543.
Migraine with aura. Identifiers: MedGen C0154723, MONDO:0005475, HP:0002077.
Increased CSF lactate. Identifiers: MedGen C1167918, HP:0002490.
Hypoplasia of the corpus callosum. Also called: Corpus callosum hypoplasia. Identifiers: MedGen C0344482, HP:0002079.
Memory impairment. Identifiers: MedGen C0233794, HP:0002354.
Cerebral atrophy. Identifiers: MedGen C0235946, HP:0002059.

Submissions (2):

Centre for Mendelian Genomics, University Medical Centre Ljubljana
Classification: Uncertain significance for Cerebral atrophy; Cognitive impairment; Hypoplasia of the corpus callosum; Increased CSF lactate; Increased circulating pyruvate concentration; Memory impairment; Migraine with aura. Last evaluated: 2017-01-01. Review status: criteria provided, single submitter. Criteria: ACMG Guidelines, 2015. Collection method: clinical testing. Allele origin: unknown. Affected: yes.

Centre for Mendelian Genomics, University Medical Centre Ljubljana
Classification: Uncertain significance for Mitochondrial DNA depletion syndrome 3 (hepatocerebral type). Last evaluated: 2016-01-01. Review status: criteria provided, single submitter. Criteria: ACMG Guidelines, 2015. Collection method: clinical testing. Allele origin: unknown. Affected: yes.
Comment: This variant was classified as: Uncertain significance.